The following is an entry in ClinVar:

NM_173576.3(MKX):c.44T>G (p.Phe15Cys)

Gene: MKX (mohawk homeobox; minus strand). Cytogenetic location: 10p12.1.
Variant type: single nucleotide variant.
Coding change: c.44T>G on transcript NM_173576.3 (MANE Select); coding-DNA position 44, T replaced by G.
Protein change: p.Phe15Cys; replaces phenylalanine 15 with cysteine.
Molecular consequence: missense variant.
Genome position (GRCh38, 1-based): chr10:27,743,372, A>C on the plus strand (T>G on the coding strand, the complement: MKX is on the minus strand). VCF-style: chr10-27743372-A-C. GRCh37 (hg19) VCF-style: chr10-28032301-A-C.
Other names: c.44T>G, p.Phe15Cys (NM_001242702.2); short protein forms F15C.
Identifiers: ClinVar variation 2635688 (VCV002635688.1), dbSNP rs1193901320, ClinGen allele CA376491808.

ClinVar aggregate classification (germline): Uncertain significance (1 of 4 stars; one submission).

Conditions:
MKX-related disorder. Also called: MKX-related condition.

Allele frequency attached by ClinVar (database versions not stated): gnomAD exomes below 0.00001; TOPMed 0.00001.
gnomAD v4.1: 1 of 1,576,460 alleles (0.000063%); highest among the groups gnomAD compares: Non-Finnish European, 0.000086%; no homozygotes.

Submission:

PreventionGenetics, part of Exact Sciences
Classification: Uncertain significance for MKX-related condition. Last evaluated: 2023-09-12. Review status: criteria provided, single submitter. Criteria: ACMG Guidelines, 2015. Collection method: clinical testing. Allele origin: germline.
Comment: The MKX c.44T>G variant is predicted to result in the amino acid substitution p.Phe15Cys. To our knowledge, this variant has not been reported in the literature or in a large population database, indicating this variant is rare. At this time, the clinical significance of this variant is uncertain due to the absence of conclusive functional and genetic evidence.